The following is an entry in ClinVar:

ClinVar aggregate classification (germline): Uncertain significance. Review status: criteria provided, multiple submitters, no conflicts (2 of 4 stars). 2 submissions from 2 submitters: Uncertain significance (2). Last evaluated 2023-07-06.

Conditions:
Hereditary nonpolyposis colorectal neoplasms. Identifiers: MedGen C0009405, MeSH D003123.
Hereditary cancer-predisposing syndrome. Also called: Hereditary neoplastic syndrome; Neoplastic Syndromes, Hereditary; Hereditary Cancer Syndrome; Tumor predisposition. Identifiers: Orphanet 140162, MedGen C0027672, MeSH D009386, MONDO:0015356.

Submissions (2):

Ambry Genetics
Classification: Uncertain significance for Hereditary cancer-predisposing syndrome. Last evaluated: 2023-07-06. Review status: criteria provided, single submitter. Criteria: Ambry Variant Classification Scheme 2023. Collection method: clinical testing. Allele origin: germline.
Comment: The p.T1133P variant (also known as c.3397A>C), located in coding exon 5 of the MSH6 gene, results from an A to C substitution at nucleotide position 3397. The threonine at codon 1133 is replaced by proline, an amino acid with highly similar properties. This amino acid position is highly conserved in available vertebrate species. In addition, this alteration is predicted to be deleterious by in silico analysis. Since supporting evidence is limited at this time, the clinical significance of this alteration remains unclear.

Labcorp Genetics (formerly Invitae), Labcorp
Classification: Uncertain significance for Hereditary nonpolyposis colorectal neoplasms. Last evaluated: 2020-11-25. Review status: criteria provided, single submitter. Criteria: Invitae Variant Classification Sherloc (09022015). Collection method: clinical testing. Allele origin: germline.
Comment: This sequence change replaces threonine with proline at codon 1133 of the MSH6 protein (p.Thr1133Pro). The threonine residue is highly conserved and there is a small physicochemical difference between threonine and proline. This variant is not present in population databases (ExAC no frequency). This variant has not been reported in the literature in individuals with MSH6-related conditions. Advanced modeling of protein sequence and biophysical properties (such as structural, functional, and spatial information, amino acid conservation, physicochemical variation, residue mobility, and thermodynamic stability) performed at Invitae indicates that this missense variant is expected to disrupt MSH6 protein function. In summary, the available evidence is currently insufficient to determine the role of this variant in disease. Therefore, it has been classified as a Variant of Uncertain Significance.

NM_000179.3(MSH6):c.3397A>C (p.Thr1133Pro)

Gene: MSH6 (mutS homolog 6; plus strand). Cytogenetic location: 2p16.3.
Variant type: single nucleotide variant.
Coding change: c.3397A>C on transcript NM_000179.3 (MANE Select); coding-DNA position 3397, A replaced by C.
Protein change: p.Thr1133Pro; replaces threonine 1133 with proline.
Molecular consequence: missense variant.
Genome position (GRCh38, 1-based): chr2:47,803,644, A>C. VCF-style: chr2-47803644-A-C. GRCh37 (hg19) VCF-style: chr2-48030783-A-C.
Other names: c.3007A>C, p.Thr1003Pro (NM_001281492.2); c.2491A>C, p.Thr831Pro (NM_001281493.2, NM_001281494.2); short protein forms T1003P, T1133P, T831P.
Identifiers: ClinVar variation 1488708 (VCV001488708.11), dbSNP rs2104484455, ClinGen allele CA346758863.